The following is an entry in ClinVar:

NM_000334.4(SCN4A):c.746A>G (p.Lys249Arg)

Gene: SCN4A (sodium voltage-gated channel alpha subunit 4; minus strand). Cytogenetic location: 17q23.3.
Variant type: single nucleotide variant.
Coding change: c.746A>G on transcript NM_000334.4 (MANE Select); coding-DNA position 746, A replaced by G.
Protein change: p.Lys249Arg; replaces lysine 249 with arginine.
Molecular consequence: missense variant.
Genome position (GRCh38, 1-based): chr17:63,968,313, T>C on the plus strand (A>G on the coding strand, the complement: SCN4A is on the minus strand). VCF-style: chr17-63968313-T-C. GRCh37 (hg19) VCF-style: chr17-62045673-T-C.
Other names: short protein forms K249R.
Identifiers: ClinVar variation 4682448 (VCV004682448.2).

ClinVar aggregate classification (germline): Conflicting classifications of pathogenicity. Review status: criteria provided, conflicting classifications (1 of 4 stars). 2 submissions from 2 submitters: Likely pathogenic (1); Uncertain significance (1). Last evaluated 2025-03-26.

Conditions:
Hyperkalemic periodic paralysis. Also called: Familial hyperkalemic periodic paralysis; Gamstorp disease. Identifiers: Orphanet 682, MedGen C0238357, MONDO:0008224, OMIM 170500, HP:0007215.

Submissions (2):

Labcorp Genetics (formerly Invitae), Labcorp
Classification: Uncertain significance for Hyperkalemic periodic paralysis. Last evaluated: 2025-03-26. Review status: criteria provided, single submitter. Criteria: Invitae Variant Classification Sherloc (09022015). Collection method: clinical testing. Allele origin: germline.
Comment: This sequence change replaces lysine, which is basic and polar, with arginine, which is basic and polar, at codon 249 of the SCN4A protein (p.Lys249Arg). This variant is not present in population databases (gnomAD no frequency). This variant has not been reported in the literature in individuals affected with SCN4A-related conditions. Invitae Evidence Modeling of protein sequence and biophysical properties (such as structural, functional, and spatial information, amino acid conservation, physicochemical variation, residue mobility, and thermodynamic stability) has been performed for this missense variant. However, the output from this modeling did not meet the statistical confidence thresholds required to predict the impact of this variant on SCN4A protein function. In summary, the available evidence is currently insufficient to determine the role of this variant in disease. Therefore, it has been classified as a Variant of Uncertain Significance.

Athena Diagnostics
Classification: Likely pathogenic. Last evaluated: 2024-12-17. Review status: criteria provided, single submitter. Criteria: Athena Diagnostics Criteria. Collection method: clinical testing. Allele origin: unknown.
Comment: This variant has not been reported in large, multi-ethnic general populations. This variant has been identified in at least one individual with clinical features associated with this gene. Polyphen and MutationTaster predict this amino acid change may be damaging to the protein. The variant is located in a region that is considered important for protein function and/or structure.